The following is an entry in ClinVar:

ClinVar aggregate classification (germline): Uncertain significance. Review status: criteria provided, multiple submitters, no conflicts (2 of 4 stars). 4 submissions from 4 submitters: Uncertain significance (4). Last evaluated 2025-06-06.

Conditions:
Inborn genetic diseases. Identifiers: MedGen C0950123, MeSH D030342.
Hereditary spastic paraplegia 15 (SPG15). Also called: SPASTIC PARAPLEGIA 15, AUTOSOMAL RECESSIVE; KJELLIN SYNDROME; SPASTIC PARAPLEGIA AND RETINAL DEGENERATION. Identifiers: Orphanet 100996, MedGen C1849128, MONDO:0010044, OMIM 270700.
Spastic paraplegia. Identifiers: MedGen C0037772, HP:0001258.

Allele frequency attached by ClinVar (database versions not stated): ExAC 0.00001; gnomAD exomes 0.00002 and 0.00007; gnomAD 0.00005; TOPMed 0.00006.
gnomAD v4.1: 35 of 1,614,068 alleles (0.0022%); highest among the groups gnomAD compares: Admixed American, 0.055%; no homozygotes.

Submissions (4):

Ambry Genetics
Classification: Uncertain significance for Inborn genetic diseases. Last evaluated: 2025-06-06. Review status: criteria provided, single submitter. Criteria: Ambry Variant Classification Scheme 2023. Collection method: clinical testing. Allele origin: germline.

Labcorp Genetics (formerly Invitae), Labcorp
Classification: Uncertain significance for Spastic paraplegia. Last evaluated: 2022-09-07. Review status: criteria provided, single submitter. Criteria: Invitae Variant Classification Sherloc (09022015). Collection method: clinical testing. Allele origin: germline.
Comment: This sequence change replaces histidine, which is basic and polar, with glutamine, which is neutral and polar, at codon 670 of the ZFYVE26 protein (p.His670Gln). This variant is present in population databases (rs749925808, gnomAD 0.05%). This variant has not been reported in the literature in individuals affected with ZFYVE26-related conditions. ClinVar contains an entry for this variant (Variation ID: 313916). Algorithms developed to predict the effect of missense changes on protein structure and function are either unavailable or do not agree on the potential impact of this missense change (SIFT: "Tolerated"; PolyPhen-2: "Probably Damaging"; Align-GVGD: "Class C0"). Algorithms developed to predict the effect of sequence changes on RNA splicing suggest that this variant may create or strengthen a splice site. In summary, the available evidence is currently insufficient to determine the role of this variant in disease. Therefore, it has been classified as a Variant of Uncertain Significance.

Athena Diagnostics
Classification: Uncertain significance. Last evaluated: 2018-03-30. Review status: criteria provided, single submitter. Criteria: Athena Diagnostics Criteria. Collection method: clinical testing. Allele origin: germline.

Illumina Laboratory Services, Illumina
Classification: Uncertain significance for Hereditary spastic paraplegia 15. Last evaluated: 2018-01-13. Review status: criteria provided, single submitter. Criteria: ICSL Variant Classification Criteria 13 December 2019. Collection method: clinical testing. Allele origin: germline.

NM_015346.4(ZFYVE26):c.2010C>G (p.His670Gln)

Gene: ZFYVE26 (zinc finger FYVE-type containing 26; minus strand). Cytogenetic location: 14q24.1.
Variant type: single nucleotide variant.
Coding change: c.2010C>G on transcript NM_015346.4 (MANE Select); coding-DNA position 2010, C replaced by G.
Protein change: p.His670Gln; replaces histidine 670 with glutamine.
Molecular consequence: missense variant.
Genome position (GRCh38, 1-based): chr14:67,798,252, G>C on the plus strand (C>G on the coding strand, the complement: ZFYVE26 is on the minus strand). VCF-style: chr14-67798252-G-C. GRCh37 (hg19) VCF-style: chr14-68264969-G-C.
Other names: short protein forms H670Q.
Identifiers: ClinVar variation 313916 (VCV000313916.10), dbSNP rs749925808, ClinGen allele CA7240411.
Genomic context (GRCh38, chr14:67,798,252, plus strand): 5'-CCTGAGGAAGGCCCCTATTGCAAATTCATCAGCCAGAAATCCACTGATACCACTAGTAAA[G>C]TGTTTTAAGTCCAAAAAGCTGTGCCTATGAGGCCCTGGGTAACTGTCTTTTGGCTCTGCC-3'
Protein context (NP_056161.2, residues 660-680): PHRHSFLDLK[His670Gln]FTSGISGFLA